The following is an entry in ClinVar:

ClinVar aggregate classification (germline): Uncertain significance (1 of 4 stars; one submission).

Conditions:
Familial cancer of breast. Also called: Hereditary breast cancer; hereditary breast carcinoma; BREAST CANCER, FAMILIAL. Identifiers: Orphanet 227535, MedGen C0346153, MONDO:0016419, OMIM 114480. Disease mechanism: loss of function.

Submission:

Labcorp Genetics (formerly Invitae), Labcorp
Classification: Uncertain significance for Familial cancer of breast. Last evaluated: 2018-09-06. Review status: criteria provided, single submitter. Criteria: Invitae Variant Classification Sherloc (09022015). Collection method: clinical testing. Allele origin: germline.
Comment: This sequence change replaces aspartic acid with asparagine at codon 772 of the PALB2 protein (p.Asp772Asn). The aspartic acid residue is moderately conserved and there is a small physicochemical difference between aspartic acid and asparagine. This variant is not present in population databases (ExAC no frequency). This variant has not been reported in the literature in individuals with PALB2-related disease. Algorithms developed to predict the effect of missense changes on protein structure and function output the following: SIFT: "Tolerated"; PolyPhen-2: "Benign"; Align-GVGD: "Class C0". The asparagine amino acid residue is found in multiple mammalian species, suggesting that this missense change does not adversely affect protein function. These predictions have not been confirmed by published functional studies and their clinical significance is uncertain. In summary, the available evidence is currently insufficient to determine the role of this variant in disease. Therefore, it has been classified as a Variant of Uncertain Significance.

NM_024675.4(PALB2):c.2314G>A (p.Asp772Asn)

Gene: PALB2 (partner and localizer of BRCA2; minus strand). Cytogenetic location: 16p12.2.
Variant type: single nucleotide variant.
Coding change: c.2314G>A on transcript NM_024675.4 (MANE Select); coding-DNA position 2314, G replaced by A.
Protein change: p.Asp772Asn; replaces aspartic acid 772 with asparagine.
Molecular consequence: missense variant.
Genome position (GRCh38, 1-based): chr16:23,629,840, C>T on the plus strand (G>A on the coding strand, the complement: PALB2 is on the minus strand). VCF-style: chr16-23629840-C-T. GRCh37 (hg19) VCF-style: chr16-23641161-C-T.
Other names: short protein forms D772N.
Identifiers: ClinVar variation 658166 (VCV000658166.9), dbSNP rs1597089401, ClinGen allele CA395125189.